The following is an entry in ClinVar:

ClinVar aggregate classification (germline): Pathogenic (1 of 4 stars; one submission).

Conditions:
Capillary malformation-arteriovenous malformation syndrome. Also called: Capillary malformation-arteriovenous malformation. Identifiers: Orphanet 137667, MedGen C1842180, MONDO:0012016.

Submission:

Labcorp Genetics (formerly Invitae), Labcorp
Classification: Pathogenic for Capillary malformation-arteriovenous malformation syndrome. Last evaluated: 2022-12-26. Review status: criteria provided, single submitter. Criteria: Invitae Variant Classification Sherloc (09022015). Collection method: clinical testing. Allele origin: germline.
Comment: For these reasons, this variant has been classified as Pathogenic. This variant has not been reported in the literature in individuals affected with RASA1-related conditions. This variant is not present in population databases (gnomAD no frequency). This sequence change creates a premature translational stop signal (p.Asp990Thrfs*6) in the RASA1 gene. It is expected to result in an absent or disrupted protein product. Loss-of-function variants in RASA1 are known to be pathogenic (PMID: 24038909).

Literature cited by the submitters: PubMed 24038909.

NM_002890.3(RASA1):c.2968del (p.Asp990fs)

Genes: CCNH (cyclin H; minus strand), RASA1 (RAS p21 protein activator 1; plus strand). Cytogenetic location: 5q14.3.
Variant type: Deletion.
Coding change: c.2968del on transcript NM_002890.3 (MANE Select); coding-DNA position 2968, one base deleted (G; older notation c.2968delG).
Protein change: p.Asp990fs; shifts the reading frame from aspartic acid 990.
Molecular consequence: frameshift variant. On other transcripts: intron variant (1).
Genome position (GRCh38, 1-based): chr5:87,389,435, G deleted; the last of 2 consecutive G bases (chr5:87,389,434-87,389,435); deleting either gives the same sequence. VCF-style (leftmost placement, unchanged base first): chr5-87389433-CG-C. GRCh37 (hg19) VCF-style: chr5-86685250-CG-C.
Other names: c.2437del, p.Asp813fs (NM_022650.3); c.933+5610del (NM_001364075.2); short protein forms D813fs, D990fs.
Identifiers: ClinVar variation 2816449 (VCV002816449.3), dbSNP rs2531396047, ClinGen allele CA2739274924.
Genomic context (GRCh38, chr5:87,389,433, plus strand): 5'-ATTTTACGATTCCCTTAAAGAATGTACCTGAACTTCCGGACACTACAGAGCATTCTAGAA[CG>C]GACCTGTCCCGTGATTTAGCAGCATTGCATGAGATTTGCGTGGCTCATTCAGATGAACTT-3'